The following is an entry in ClinVar:

NM_001379659.1(ZNF142):c.1833C>T (p.Ala611=)

Gene: ZNF142 (zinc finger protein 142; minus strand). Cytogenetic location: 2q35.
Variant type: single nucleotide variant.
Coding change: c.1833C>T on transcript NM_001379659.1 (MANE Select); coding-DNA position 1833, C replaced by T.
Protein change: p.Ala611=; no amino-acid change (alanine 611 retained).
Molecular consequence: synonymous variant.
Genome position (GRCh38, 1-based): chr2:218,648,675, G>A on the plus strand (C>T on the coding strand, the complement: ZNF142 is on the minus strand). VCF-style: chr2-218648675-G-A. GRCh37 (hg19) VCF-style: chr2-219513398-G-A.
Other names: c.1233C>T, p.Ala411= (NM_001105537.5, NM_001366291.3, NM_001379662.1); c.744C>T, p.Ala248= (NM_001366287.3, NM_001366288.3, NM_001366289.3); c.1833C>T, p.Ala611= (NM_001366290.3, NM_001379660.1, NM_001379661.1).
Identifiers: ClinVar variation 3045260 (VCV003045260.3), dbSNP rs201521233, ClinGen allele CA2109303.

ClinVar aggregate classification (germline): Likely benign. Review status: criteria provided, single submitter (1 of 4 stars). 2 submissions from 2 submitters: Likely benign (1). 1 of the submissions does not count toward it. Last evaluated 2024-08-21.

Conditions:
ZNF142-related disorder. Also called: ZNF142-related condition.

Allele frequency attached by ClinVar (database versions not stated): ESP Exome Variant Server 0.00008; ExAC 0.00010; gnomAD 0.00010; TOPMed 0.00016; 1000 Genomes Project 0.00020; gnomAD exomes 0.00020; 1000 Genomes Project 30x 0.00031.
gnomAD v4.1: 305 of 1,614,200 alleles (0.019%); highest among the groups gnomAD compares: Non-Finnish European, 0.023%; no homozygotes.

Submissions (2):

Blueprint Genetics
Classification: Likely benign. Last evaluated: 2024-08-21. Review status: criteria provided, single submitter. Criteria: ACMG Guidelines, 2015. Collection method: clinical testing. Allele origin: germline.

PreventionGenetics, part of Exact Sciences
Classification: Likely benign for ZNF142-related condition. Last evaluated: 2019-11-07. Review status: no assertion criteria provided. Collection method: clinical testing. Allele origin: germline. Not counted in ClinVar's aggregate classification.
Comment: This variant is classified as likely benign based on ACMG/AMP sequence variant interpretation guidelines (Richards et al. 2015 PMID: 25741868, with internal and published modifications).